The following is an entry in ClinVar:

ClinVar aggregate classification (germline): Likely pathogenic. Review status: criteria provided, multiple submitters, no conflicts (2 of 4 stars). 2 submissions from 2 submitters: Likely pathogenic (2). Last evaluated 2024-09-09.

Submissions (2):

Labcorp Genetics (formerly Invitae), Labcorp
Classification: Likely pathogenic. Last evaluated: 2024-09-09. Review status: criteria provided, single submitter. Criteria: Invitae Variant Classification Sherloc (09022015). Collection method: clinical testing. Allele origin: germline.
Comment: This sequence change replaces glycine, which is neutral and non-polar, with glutamic acid, which is acidic and polar, at codon 1086 of the COL2A1 protein (p.Gly1086Glu). This variant is not present in population databases (gnomAD no frequency). This missense change has been observed in individual(s) with clinical features of spondyloepiphyseal dysplasia congenita (internal data). ClinVar contains an entry for this variant (Variation ID: 1524421). Invitae Evidence Modeling of protein sequence and biophysical properties (such as structural, functional, and spatial information, amino acid conservation, physicochemical variation, residue mobility, and thermodynamic stability) indicates that this missense variant is expected to disrupt COL2A1 protein function with a positive predictive value of 95%. This variant disrupts the triple helix domain of COL2A1. Glycine residues within the Gly-Xaa-Yaa repeats of the triple helix domain are required for the structure and stability of fibrillar collagens (PMID: 7695699, 8218237, 19344236). In COL2A1, variants affecting these glycine residues are significantly enriched in individuals with disease (PMID: 9016532, 17078022) compared to the general population (ExAC). This variant disrupts the spondyloepiphyseal dysplasia congenita amino acid residue in COL2A1. Other variant(s) that disrupt this residue have been observed in individuals with COL2A1-related conditions (PMID: 23932928), which suggests that this may be a clinically significant amino acid residue. In summary, the currently available evidence indicates that the variant is pathogenic, but additional data are needed to prove that conclusively. Therefore, this variant has been classified as Likely Pathogenic.

Clinical Genetics Laboratory, Skane University Hospital Lund
Classification: Likely pathogenic. Last evaluated: 2023-06-14. Review status: criteria provided, single submitter. Criteria: ACMG Guidelines, 2015. Collection method: clinical testing. Allele origin: germline. Affected: yes.

Literature cited by the submitters: PubMed 7695699 (cited by Labcorp Genetics (formerly Invitae), Labcorp); PubMed 8218237 (cited by Labcorp Genetics (formerly Invitae), Labcorp); PubMed 19344236 (cited by Labcorp Genetics (formerly Invitae), Labcorp); PubMed 9016532 (cited by Labcorp Genetics (formerly Invitae), Labcorp); PubMed 17078022 (cited by Labcorp Genetics (formerly Invitae), Labcorp); PubMed 23932928 (cited by Labcorp Genetics (formerly Invitae), Labcorp).

NM_001844.5(COL2A1):c.3257G>A (p.Gly1086Glu)

Gene: COL2A1 (collagen type II alpha 1 chain; minus strand). Cytogenetic location: 12q13.11.
Variant type: single nucleotide variant.
Coding change: c.3257G>A on transcript NM_001844.5 (MANE Select); coding-DNA position 3257, G replaced by A.
Protein change: p.Gly1086Glu; replaces glycine 1086 with glutamic acid.
Molecular consequence: missense variant.
Genome position (GRCh38, 1-based): chr12:47,977,336, C>T on the plus strand (G>A on the coding strand, the complement: COL2A1 is on the minus strand). VCF-style: chr12-47977336-C-T. GRCh37 (hg19) VCF-style: chr12-48371119-C-T.
Other names: c.3050G>A, p.Gly1017Glu (NM_033150.3); short protein forms G1017E, G1086E.
Identifiers: ClinVar variation 1524421 (VCV001524421.9), dbSNP rs2136521131, ClinGen allele CA384540071.